The following is an entry in ClinVar:

NM_130839.5(UBE3A):c.493C>T (p.Arg165Trp)

Genes: SNHG14 (small nucleolar RNA host gene 14; plus strand), UBE3A (ubiquitin protein ligase E3A; minus strand). Cytogenetic location: 15q11.2.
Variant type: single nucleotide variant.
Coding change: c.493C>T on transcript NM_130839.5 (MANE Select); coding-DNA position 493, C replaced by T.
Protein change: p.Arg165Trp; replaces arginine 165 with tryptophan.
Molecular consequence: missense variant. On other transcripts: non-coding transcript variant (1), intron variant (2).
Genome position (GRCh38, 1-based): chr15:25,371,681, G>A on the plus strand (C>T on the coding strand, the complement: UBE3A is on the minus strand). VCF-style: chr15-25371681-G-A. GRCh37 (hg19) VCF-style: chr15-25616828-G-A.
Other names: c.502C>T, p.Arg168Trp (NM_000462.5); c.493C>T, p.Arg165Trp (NM_001354505.1, NM_001354538.2, NM_001354545.2); c.433C>T, p.Arg145Trp (NM_001354506.2, NM_001354507.2, NM_001354508.2 and 17 more transcripts); c.316C>T, p.Arg106Trp (NM_001354546.2); c.301+3784C>T (NM_001354551.2); c.361+3784C>T (NM_001354550.2); short protein forms R145W, R106W, R165W, R168W.
Identifiers: ClinVar variation 426773 (VCV000426773.5), dbSNP rs1085307791, ClinGen allele CA391355733.

ClinVar aggregate classification (germline): Uncertain significance (1 of 4 stars; one submission).

Allele frequency attached by ClinVar (database versions not stated): gnomAD exomes below 0.00001; TOPMed below 0.00001; gnomAD 0.00001.
gnomAD v4.1: 2 of 1,613,678 alleles (0.00012%); highest among the groups gnomAD compares: Admixed American, 0.0017%; no homozygotes.

Submission:

GeneDx
Classification: Uncertain significance. Last evaluated: 2022-07-18. Review status: criteria provided, single submitter. Criteria: GeneDx Variant Classification Process June 2021. Collection method: clinical testing. Allele origin: germline. Affected: yes.
Comment: Not observed in large population cohorts (gnomAD); In silico analysis supports that this missense variant does not alter protein structure/function; Has not been previously published as pathogenic or benign to our knowledge